The following is an entry in ClinVar:

NM_206933.4(USH2A):c.7300+1G>T

Gene: USH2A (usherin; minus strand). Cytogenetic location: 1q41.
Variant type: single nucleotide variant.
Coding change: c.7300+1G>T on transcript NM_206933.4 (MANE Select); the canonical splice donor site of the intron after coding-DNA position 7300, G replaced by T.
Molecular consequence: splice donor variant.
Genome position (GRCh38, 1-based): chr1:215,934,615, C>A on the plus strand (G>T on the coding strand, the complement: USH2A is on the minus strand). VCF-style: chr1-215934615-C-A. GRCh37 (hg19) VCF-style: chr1-216107957-C-A.
Other names: c.7300+1G>T (NM_206933.2).
Identifiers: ClinVar variation 2971419 (VCV002971419.4), dbSNP rs1343780391, ClinGen allele CA344857090.

ClinVar aggregate classification (germline): Pathogenic/Likely pathogenic. Review status: criteria provided, multiple submitters, no conflicts (2 of 4 stars). 2 submissions from 2 submitters: Pathogenic (1); Likely pathogenic (1). Last evaluated 2025-12-16.

Conditions:
Usher syndrome type 2A. Also called: RETINAL DISEASE IN USHER SYNDROME TYPE IIA, MODIFIER OF; USHER SYNDROME, TYPE IIA. Identifiers: Orphanet 231178, Orphanet 886, MedGen C1848634, MONDO:0010169, OMIM 276901.

Submissions (2):

Natera, Inc.
Classification: Likely pathogenic for Usher syndrome type 2A. Last evaluated: 2025-12-16. Review status: criteria provided, single submitter. Criteria: Natera Variant Classification Schema (03/2026). Collection method: clinical testing. Allele origin: germline.
Comment: The c.7300+1G>T variant in USH2A is a canonical splice donor site variant predicted to affect pre-mRNA splicing, which may result in an abnormal transcript and altered protein product. This variant may result in a truncated or dysfunctional protein product. This variant is rare in the general population with a frequency below the threshold expected for the associated phenotype(s). This variant has been observed in one or more individuals affected with the associated recessive disease, as either homozygous or compound heterozygous with a second variant (PMID: 32675063, 32188678, 36729443). Given the available evidence, this variant is classified as Likely Pathogenic.

Labcorp Genetics (formerly Invitae), Labcorp
Classification: Pathogenic. Last evaluated: 2023-07-25. Review status: criteria provided, single submitter. Criteria: Invitae Variant Classification Sherloc (09022015). Collection method: clinical testing. Allele origin: germline.
Comment: For these reasons, this variant has been classified as Pathogenic. Algorithms developed to predict the effect of sequence changes on RNA splicing suggest that this variant may disrupt the consensus splice site. Disruption of this splice site has been observed in individual(s) with Usher syndrome (PMID: 32188678, 32675063). In at least one individual the data is consistent with being in trans (on the opposite chromosome) from a pathogenic variant. This variant is not present in population databases (gnomAD no frequency). This sequence change affects a donor splice site in intron 38 of the USH2A gene. It is expected to disrupt RNA splicing. Variants that disrupt the donor or acceptor splice site typically lead to a loss of protein function (PMID: 16199547), and loss-of-function variants in USH2A are known to be pathogenic (PMID: 10729113, 10909849, 20507924, 25649381).

Literature cited by the submitters: PubMed 32675063 (cited by Natera, Inc. and Labcorp Genetics (formerly Invitae), Labcorp); PubMed 32188678 (cited by Natera, Inc. and Labcorp Genetics (formerly Invitae), Labcorp); PubMed 36729443 (cited by Natera, Inc.); PubMed 16199547 (cited by Labcorp Genetics (formerly Invitae), Labcorp); PubMed 10729113 (cited by Labcorp Genetics (formerly Invitae), Labcorp); PubMed 10909849 (cited by Labcorp Genetics (formerly Invitae), Labcorp); PubMed 20507924 (cited by Labcorp Genetics (formerly Invitae), Labcorp); PubMed 25649381 (cited by Labcorp Genetics (formerly Invitae), Labcorp).